The following is an entry in ClinVar:

NC_000021.8:g.(?_43892928)_(43893000_?)dup

Gene: RSPH1 (radial spoke head component 1; minus strand). Cytogenetic location: 21q22.3.
Variant type: Duplication.
Identifiers: ClinVar variation 1412669 (VCV001412669.13).

ClinVar aggregate classification (germline): Uncertain significance (1 of 4 stars; one submission).

Conditions:
Primary ciliary dyskinesia. Also called: Ciliary dyskinesia. Identifiers: Orphanet 244, MedGen C0008780, MONDO:0016575, HP:0012265.

Submission:

Labcorp Genetics (formerly Invitae), Labcorp
Classification: Uncertain significance for Primary ciliary dyskinesia. Last evaluated: 2022-08-10. Review status: criteria provided, single submitter. Criteria: Invitae Variant Classification Sherloc (09022015). Collection method: clinical testing. Allele origin: germline.
Comment: In summary, the available evidence is currently insufficient to determine the role of this variant in disease. Therefore, it has been classified as a Variant of Uncertain Significance. This variant has not been reported in the literature in individuals affected with RSPH1-related conditions. This variant results in a copy number gain of the genomic region encompassing exon(s) 9 of the RSPH1 gene. This region includes the termination codon of the gene. This copy number gain extends beyond the assayed region for this gene and therefore may encompass additional genes. As the precise location of this event is unknown, it may be in tandem or it may be located elsewhere in the genome.